The following is an entry in ClinVar:

NM_020987.5(ANK3):c.11618A>G (p.Lys3873Arg)

Gene: ANK3 (ankyrin 3; minus strand). Cytogenetic location: 10q21.2.
Variant type: single nucleotide variant.
Coding change: c.11618A>G on transcript NM_020987.5 (MANE Select); coding-DNA position 11618, A replaced by G.
Protein change: p.Lys3873Arg; replaces lysine 3873 with arginine.
Molecular consequence: missense variant. On other transcripts: intron variant (4).
Genome position (GRCh38, 1-based): chr10:60,069,263, T>C on the plus strand (A>G on the coding strand, the complement: ANK3 is on the minus strand). VCF-style: chr10-60069263-T-C. GRCh37 (hg19) VCF-style: chr10-61829021-T-C.
Other names: c.4388-1254A>G (NM_001204403.2); c.4409-1254A>G (NM_001204404.2); c.4406-1254A>G (NM_001320874.2); c.1808-1254A>G (NM_001149.4); short protein forms K3873R.
Identifiers: ClinVar variation 1492781 (VCV001492781.6), dbSNP rs2131964638, ClinGen allele CA376996353.

ClinVar aggregate classification (germline): Uncertain significance (1 of 4 stars; one submission).

Submission:

Labcorp Genetics (formerly Invitae), Labcorp
Classification: Uncertain significance. Last evaluated: 2021-04-14. Review status: criteria provided, single submitter. Criteria: Invitae Variant Classification Sherloc (09022015). Collection method: clinical testing. Allele origin: germline.
Comment: This sequence change replaces lysine with arginine at codon 3873 of the ANK3 protein (p.Lys3873Arg). The lysine residue is weakly conserved and there is a small physicochemical difference between lysine and arginine. In summary, the available evidence is currently insufficient to determine the role of this variant in disease. Therefore, it has been classified as a Variant of Uncertain Significance. Algorithms developed to predict the effect of missense changes on protein structure and function output the following: SIFT: "Not Available"; PolyPhen-2: "Benign"; Align-GVGD: "Not Available". The arginine amino acid residue is found in multiple mammalian species, suggesting that this missense change does not adversely affect protein function. These predictions have not been confirmed by published functional studies and their clinical significance is uncertain. This variant has not been reported in the literature in individuals with ANK3-related conditions. This variant is not present in population databases (ExAC no frequency).